The following is an entry in ClinVar:

NM_004168.4(SDHA):c.1741G>C (p.Gly581Arg)

Gene: SDHA (succinate dehydrogenase complex flavoprotein subunit A; plus strand). Cytogenetic location: 5p15.33.
Variant type: single nucleotide variant.
Coding change: c.1741G>C on transcript NM_004168.4 (MANE Select); coding-DNA position 1741, G replaced by C.
Protein change: p.Gly581Arg; replaces glycine 581 with arginine.
Molecular consequence: missense variant. On other transcripts: intron variant (1).
Genome position (GRCh38, 1-based): chr5:251,415, G>C. VCF-style: chr5-251415-G-C. GRCh37 (hg19) VCF-style: chr5-251530-G-C.
Other names: c.1597G>C, p.Gly533Arg (NM_001294332.2); c.1552-2978G>C (NM_001330758.2); short protein forms G533R, G581R.
Identifiers: ClinVar variation 1779208 (VCV001779208.2), dbSNP rs771111180, ClinGen allele CA359000215.

ClinVar aggregate classification (germline): Uncertain significance (1 of 4 stars; one submission).

Conditions:
Hereditary cancer-predisposing syndrome. Also called: Neoplastic Syndromes, Hereditary; Tumor predisposition; Hereditary Cancer Syndrome; Hereditary neoplastic syndrome. Identifiers: Orphanet 140162, MedGen C0027672, MeSH D009386, MONDO:0015356.

Submission:

Ambry Genetics
Classification: Uncertain significance for Hereditary cancer-predisposing syndrome. Last evaluated: 2022-01-27. Review status: criteria provided, single submitter. Criteria: Ambry Variant Classification Scheme 2023. Collection method: clinical testing. Allele origin: germline.
Comment: The p.G581R variant (also known as c.1741G>C), located in coding exon 13 of the SDHA gene, results from a G to C substitution at nucleotide position 1741. The glycine at codon 581 is replaced by arginine, an amino acid with dissimilar properties. This amino acid position is conserved. In addition, this alteration is predicted to be deleterious by in silico analysis. Since supporting evidence is limited at this time, the clinical significance of this alteration remains unclear.